The following is an entry in ClinVar:

ClinVar aggregate classification (germline): Benign (1 of 4 stars; one submission).

Conditions:
Leukoencephalopathy-thalamus and brainstem anomalies-high lactate syndrome. Also called: LEUKOENCEPHALOPATHY WITH THALAMUS AND BRAINSTEM INVOLVEMENT AND HIGH LACTATE; Combined oxidative phosphorylation deficiency 12. Identifiers: Orphanet 314051, MedGen C4706421, MONDO:0013971, OMIM 614924.

Allele frequency attached by ClinVar (database versions not stated): gnomAD 0.00072 and 0.00110; TOPMed 0.00113; 1000 Genomes Project 30x 0.00547; 1000 Genomes Project 0.00599.

Submission:

Illumina Laboratory Services, Illumina
Classification: Benign for Leukoencephalopathy-thalamus and brainstem anomalies-high lactate syndrome. Last evaluated: 2018-01-13. Review status: criteria provided, single submitter. Criteria: ICSL Variant Classification Criteria 13 December 2019. Collection method: clinical testing. Allele origin: germline.
Comment: This variant was observed in the ICSL laboratory as part of a predisposition screen in an ostensibly healthy population. It had not been previously curated by ICSL or reported in the Human Gene Mutation Database (HGMD: prior to June 1st, 2018), and was therefore a candidate for classification through an automated scoring system. Utilizing variant allele frequency, disease prevalence and penetrance estimates, and inheritance mode, an automated score was calculated to assess if this variant is too frequent to cause the disease. Based on the score and internal cut-off values, a variant classified as benign is not then subjected to further curation. The score for this variant resulted in a classification of benign for this disease.

NM_001083614.2(EARS2):c.*1233C>T

Genes: EARS2 (glutamyl-tRNA synthetase 2, mitochondrial; minus strand), GGA2 (golgi associated, gamma adaptin ear containing, ARF binding protein 2; minus strand). Cytogenetic location: 16p12.2.
Variant type: single nucleotide variant.
Coding change: c.*1233C>T on transcript NM_001083614.2 (MANE Select); 1233 bases downstream of the stop codon, C replaced by T.
Molecular consequence: 3 prime UTR variant. On other transcripts: non-coding transcript variant (1).
Genome position (GRCh38, 1-based): chr16:23,523,138, G>A on the plus strand (C>T on the coding strand, the complement: EARS2 is on the minus strand). VCF-style: chr16-23523138-G-A. GRCh37 (hg19) VCF-style: chr16-23534459-G-A.
Identifiers: ClinVar variation 318523 (VCV000318523.5), dbSNP rs118168979, ClinGen allele CA10648155.